The following is an entry in ClinVar:

ClinVar aggregate classification (germline): Uncertain significance (1 of 4 stars; one submission).

gnomAD v4.1: 2 of 1,596,914 alleles (0.00013%); highest among the groups gnomAD compares: Non-Finnish European, 0.00017%; no homozygotes.

Submission:

Labcorp Genetics (formerly Invitae), Labcorp
Classification: Uncertain significance. Last evaluated: 2021-09-28. Review status: criteria provided, single submitter. Criteria: Invitae Variant Classification Sherloc (09022015). Collection method: clinical testing. Allele origin: germline.
Comment: This sequence change replaces serine with asparagine at codon 3177 of the VPS13C protein (p.Ser3177Asn). The serine residue is weakly conserved and there is a small physicochemical difference between serine and asparagine. In summary, the available evidence is currently insufficient to determine the role of this variant in disease. Therefore, it has been classified as a Variant of Uncertain Significance. Algorithms developed to predict the effect of missense changes on protein structure and function (SIFT, PolyPhen-2, Align-GVGD) all suggest that this variant is likely to be tolerated. This variant has not been reported in the literature in individuals affected with VPS13C-related conditions. This variant is not present in population databases (ExAC no frequency).

NM_020821.3(VPS13C):c.9530G>A (p.Ser3177Asn)

Gene: VPS13C (vacuolar protein sorting 13 homolog C; minus strand). Cytogenetic location: 15q22.2.
Variant type: single nucleotide variant.
Coding change: c.9530G>A on transcript NM_020821.3 (MANE Select); coding-DNA position 9530, G replaced by A.
Protein change: p.Ser3177Asn; replaces serine 3177 with asparagine.
Molecular consequence: missense variant.
Genome position (GRCh38, 1-based): chr15:61,882,690, C>T on the plus strand (G>A on the coding strand, the complement: VPS13C is on the minus strand). VCF-style: chr15-61882690-C-T. GRCh37 (hg19) VCF-style: chr15-62174889-C-T.
Other names: c.9530G>A, p.Ser3177Asn (NM_001018088.3); c.9401G>A, p.Ser3134Asn (NM_017684.5, NM_018080.4); short protein forms S3177N, S3134N.
Identifiers: ClinVar variation 1450219 (VCV001450219.6), dbSNP rs2140047044, ClinGen allele CA392673394.